The following is an entry in ClinVar:

ClinVar aggregate classification (germline): Uncertain significance. Review status: criteria provided, multiple submitters, no conflicts (2 of 4 stars). 4 submissions from 4 submitters: Uncertain significance (3). 1 of the submissions does not count toward it. Last evaluated 2026-06-01.

Conditions:
Inborn genetic diseases. Identifiers: MedGen C0950123, MeSH D030342.
BBS12-related disorder. Also called: BBS12-related condition.
Bardet-Biedl syndrome (BBS). Identifiers: Orphanet 110, MedGen C0752166, MONDO:0015229.
Bardet-Biedl syndrome 12 (BBS12). Identifiers: Orphanet 110, MedGen C1859570, MONDO:0014440, OMIM 615989.

Allele frequency attached by ClinVar (database versions not stated): gnomAD exomes below 0.00001.
gnomAD v4.1: 6 of 1,613,966 alleles (0.00037%); highest among the groups gnomAD compares: Non-Finnish European, 0.00042%; no homozygotes.

Submissions (4):

PreventionGenetics, part of Exact Sciences
Classification: Uncertain significance for BBS12-related condition. Last evaluated: 2026-06-01. Review status: criteria provided, single submitter. Criteria: ACMG Guidelines, 2015. Collection method: clinical testing. Allele origin: germline.
Comment: The BBS12 c.274G>A variant is predicted to result in the amino acid substitution p.Val92Ile. To our knowledge, this variant has not been reported in the literature. This variant is reported in 0.00089% of alleles in individuals of European (Non-Finnish) descent in gnomAD. At this time, the clinical significance of this variant is uncertain due to the absence of conclusive functional and genetic evidence.

Ambry Genetics
Classification: Uncertain significance for Inborn genetic diseases. Last evaluated: 2023-11-29. Review status: criteria provided, single submitter. Criteria: Ambry Variant Classification Scheme 2023. Collection method: clinical testing. Allele origin: germline.

Labcorp Genetics (formerly Invitae), Labcorp
Classification: Uncertain significance for Bardet-Biedl syndrome. Last evaluated: 2021-08-27. Review status: criteria provided, single submitter. Criteria: Invitae Variant Classification Sherloc (09022015). Collection method: clinical testing. Allele origin: germline.
Comment: This sequence change replaces valine with isoleucine at codon 92 of the BBS12 protein (p.Val92Ile). The valine residue is moderately conserved and there is a small physicochemical difference between valine and isoleucine. This variant is not present in population databases (ExAC no frequency). This variant has not been reported in the literature in individuals affected with BBS12-related conditions. Algorithms developed to predict the effect of missense changes on protein structure and function output the following: SIFT: "Tolerated"; PolyPhen-2: "Benign"; Align-GVGD: "Class C0". The isoleucine amino acid residue is found in multiple mammalian species, which suggests that this missense change does not adversely affect protein function. In summary, the available evidence is currently insufficient to determine the role of this variant in disease. Therefore, it has been classified as a Variant of Uncertain Significance.

Natera, Inc.
Classification: Uncertain significance for Bardet-Biedl syndrome type 12. Last evaluated: 2020-01-17. Review status: no assertion criteria provided. Collection method: clinical testing. Allele origin: germline. Not counted in ClinVar's aggregate classification.

NM_152618.3(BBS12):c.274G>A (p.Val92Ile)

Gene: BBS12 (Bardet-Biedl syndrome 12; plus strand). Cytogenetic location: 4q27.
Variant type: single nucleotide variant.
Coding change: c.274G>A on transcript NM_152618.3 (MANE Select); coding-DNA position 274, G replaced by A.
Protein change: p.Val92Ile; replaces valine 92 with isoleucine.
Molecular consequence: missense variant.
Genome position (GRCh38, 1-based): chr4:122,742,166, G>A. VCF-style: chr4-122742166-G-A. GRCh37 (hg19) VCF-style: chr4-123663321-G-A.
Other names: c.274G>A, p.Val92Ile (NM_001178007.2); short protein forms V92I.
Identifiers: ClinVar variation 860067 (VCV000860067.7), dbSNP rs973844350, ClinGen allele CA105249161.